The following is an entry in ClinVar:

NM_001873.4(CPE):c.696C>A (p.Val232=)

Gene: CPE (carboxypeptidase E; plus strand). Cytogenetic location: 4q32.3.
Variant type: single nucleotide variant.
Coding change: c.696C>A on transcript NM_001873.4 (MANE Select); coding-DNA position 696, C replaced by A.
Protein change: p.Val232=; no amino-acid change (valine 232 retained).
Molecular consequence: synonymous variant.
Genome position (GRCh38, 1-based): chr4:165,482,265, C>A. VCF-style: chr4-165482265-C-A. GRCh37 (hg19) VCF-style: chr4-166403417-C-A.
Other names: c.696C>A (NM_001873.3).
Identifiers: ClinVar variation 2695602 (VCV002695602.6), dbSNP rs193118404, ClinGen allele CA3130258.
Genomic context (GRCh38, chr4:165,482,265, plus strand): 5'-TTAAATTTATAATCCTTTTAATCTCTCATCTGAACAGCTTGCTCCTGAGACCAAGGCTGT[C>A]ATTCATTGGATTATGGATATTCCTTTTGTGCTTTCTGCCAATCTCCATGGAGGAGACCTT-3'
Protein context (NP_001864.1, residues 222-242): NTKLAPETKA[Val232=]IHWIMDIPFV

ClinVar aggregate classification (germline): Benign/Likely benign. Review status: criteria provided, multiple submitters, no conflicts (2 of 4 stars). 3 submissions from 3 submitters: Benign (1); Likely benign (1). 1 of the submissions does not count toward it. Last evaluated 2024-10-22.

Conditions:
CPE-related disorder. Also called: CPE-related condition.

Allele frequency attached by ClinVar (database versions not stated): gnomAD 0.00031; TOPMed 0.00032; 1000 Genomes Project 0.00120; 1000 Genomes Project 30x 0.00125.
gnomAD v4.1: 350 of 1,613,520 alleles (0.022%); highest among the groups gnomAD compares: East Asian, 0.58%; 3 homozygotes.

Submissions (3):

Blueprint Genetics
Classification: Likely benign. Last evaluated: 2024-10-22. Review status: criteria provided, single submitter. Criteria: ACMG Guidelines, 2015. Collection method: clinical testing. Allele origin: germline.

Labcorp Genetics (formerly Invitae), Labcorp
Classification: Benign. Last evaluated: 2024-09-22. Review status: criteria provided, single submitter. Criteria: Invitae Variant Classification Sherloc (09022015). Collection method: clinical testing. Allele origin: germline.

PreventionGenetics, part of Exact Sciences
Classification: Likely benign for CPE-related condition. Last evaluated: 2020-06-25. Review status: no assertion criteria provided. Collection method: clinical testing. Allele origin: germline. Not counted in ClinVar's aggregate classification.
Comment: This variant is classified as likely benign based on ACMG/AMP sequence variant interpretation guidelines (Richards et al. 2015 PMID: 25741868, with internal and published modifications).